The following is an entry in ClinVar:

ClinVar aggregate classification (germline): Uncertain significance (1 of 4 stars; one submission).

Conditions:
Neurofibromatosis, type 1 (NF1). Also called: NEUROFIBROMATOSIS, TYPE I, SOMATIC; VON RECKLINGHAUSEN DISEASE; Peripheral type neurofibromatosis; Neurofibromatosis, type I. Identifiers: Orphanet 636, MedGen C0027831, MONDO:0018975, OMIM 162200. Disease mechanism: loss of function.

Submission:

Labcorp Genetics (formerly Invitae), Labcorp
Classification: Uncertain significance for Neurofibromatosis, type 1. Last evaluated: 2021-12-26. Review status: criteria provided, single submitter. Criteria: Invitae Variant Classification Sherloc (09022015). Collection method: clinical testing. Allele origin: germline.
Comment: In summary, the available evidence is currently insufficient to determine the role of this variant in disease. Therefore, it has been classified as a Variant of Uncertain Significance. Experimental studies and prediction algorithms are not available or were not evaluated, and the functional significance of this variant is currently unknown. This variant has not been reported in the literature in individuals affected with NF1-related conditions. This variant is not present in population databases (gnomAD no frequency). This variant, c.2956_2967del, results in the deletion of 4 amino acid(s) of the NF1 protein (p.Ala986_Glu989del), but otherwise preserves the integrity of the reading frame.

NM_001042492.3(NF1):c.2956_2967del (p.Ala986_Glu989del)

Gene: NF1 (neurofibromin 1; plus strand). Cytogenetic location: 17q11.2.
Variant type: Deletion.
Coding change: c.2956_2967del on transcript NM_001042492.3 (MANE Select); coding-DNA positions 2956 to 2967, 12 bases deleted (GCTAGCATTGAA).
Protein change: p.Ala986_Glu989del.
Molecular consequence: inframe deletion. On other transcripts: inframe indel (1).
Genome position (GRCh38, 1-based): chr17:31,229,940-31,229,951, GCTAGCATTGAA deleted; deleting any 12 consecutive bases within chr17:31,229,938-31,229,951 gives the same sequence; the c. name uses the placement nearest the transcript's 3' end. VCF-style (leftmost placement, unchanged base first): chr17-31229937-CAAGCTAGCATTG-C. GRCh37 (hg19) VCF-style: chr17-29556955-CAAGCTAGCATTG-C.
Other names: c.2956_2967delGCTAGCATTGAA, p.Ala986_Glu989del (NM_000267.4).
Identifiers: ClinVar variation 2061498 (VCV002061498.4), dbSNP rs2508198145, ClinGen allele CA2580093424.